The following is an entry in ClinVar:

ClinVar aggregate classification (germline): Benign. Review status: criteria provided, multiple submitters, no conflicts (2 of 4 stars). 7 submissions from 7 submitters: Benign (6). 1 of the submissions does not count toward it. Last evaluated 2026-01-27.

Conditions:
Hereditary orotic aciduria, type 1. Also called: Orotic aciduria type 1; Oroticaciduria 1. Identifiers: MedGen C0268130.
Oroticaciduria. Also called: Orotic aciduria. Identifiers: Orphanet 30, MedGen C0268128, HP:0003218.

Allele frequency attached by ClinVar (database versions not stated): ExAC 0.18883; TOPMed 0.17969; gnomAD 0.17792 and 0.17658; 1000 Genomes Project 30x 0.18723; ESP Exome Variant Server 0.16539; 1000 Genomes Project 0.18590.
gnomAD v4.1: 291,596 of 1,613,970 alleles (18%); highest among the groups gnomAD compares: Admixed American, 30%; 27,370 homozygotes.

Submissions (7):

Labcorp Genetics (formerly Invitae), Labcorp
Classification: Benign for Hereditary orotic aciduria, type 1. Last evaluated: 2026-01-27. Review status: criteria provided, single submitter. Criteria: Invitae Variant Classification Sherloc (09022015). Collection method: clinical testing. Allele origin: germline.

Genome-Nilou Lab
Classification: Benign for Hereditary orotic aciduria. Last evaluated: 2021-12-05. Review status: criteria provided, single submitter. Criteria: ACMG Guidelines, 2015. Collection method: clinical testing. Allele origin: germline. Affected: no.

Mayo Clinic Laboratories, Mayo Clinic
Classification: Benign. Last evaluated: 2021-04-01. Review status: criteria provided, single submitter. Criteria: ACMG Guidelines, 2015. Collection method: clinical testing. Allele origin: germline. Observed: 23 variant alleles.

Illumina Laboratory Services, Illumina
Classification: Benign for Hereditary orotic aciduria. Last evaluated: 2018-01-13. Review status: criteria provided, single submitter. Criteria: ICSL Variant Classification Criteria 13 December 2019. Collection method: clinical testing. Allele origin: germline.
Comment: This variant was observed in the ICSL laboratory as part of a predisposition screen in an ostensibly healthy population. It had not been previously curated by ICSL or reported in the Human Gene Mutation Database (HGMD: prior to June 1st, 2018), and was therefore a candidate for classification through an automated scoring system. Utilizing variant allele frequency, disease prevalence and penetrance estimates, and inheritance mode, an automated score was calculated to assess if this variant is too frequent to cause the disease. Based on the score and internal cut-off values, a variant classified as benign is not then subjected to further curation. The score for this variant resulted in a classification of benign for this disease.

Breakthrough Genomics
Classification: Benign. Review status: criteria provided, single submitter. Criteria: ACMG Guidelines, 2015. Collection method: not provided. Allele origin: germline. Inheritance: Autosomal recessive inheritance. Affected: yes.

PreventionGenetics, part of Exact Sciences
Classification: Benign. Review status: criteria provided, single submitter. Criteria: ACMG Guidelines, 2015. Collection method: clinical testing. Allele origin: germline.

Diasio Lab,  Mayo Clinic
No classification provided. Review status: no classification provided. Collection method: not provided. Allele origin: unknown. Not counted in ClinVar's aggregate classification.

NM_000373.4(UMPS):c.638G>C (p.Gly213Ala)

Gene: UMPS (uridine monophosphate synthetase; plus strand). Cytogenetic location: 3q21.2.
Variant type: single nucleotide variant.
Coding change: c.638G>C on transcript NM_000373.4 (MANE Select); coding-DNA position 638, G replaced by C.
Protein change: p.Gly213Ala; replaces glycine 213 with alanine.
Molecular consequence: missense variant. On other transcripts: non-coding transcript variant (2).
Genome position (GRCh38, 1-based): chr3:124,737,895, G>C. VCF-style: chr3-124737895-G-C. GRCh37 (hg19) VCF-style: chr3-124456742-G-C.
Other names: short protein forms G213A.
Identifiers: ClinVar variation 100127 (VCV000100127.20), dbSNP rs1801019, ClinGen allele CA228193.